The following is an entry in ClinVar:

ClinVar aggregate classification (germline): Uncertain significance (1 of 4 stars; one submission).

Allele frequency attached by ClinVar (database versions not stated): TOPMed below 0.00001; gnomAD exomes 0.00001.
gnomAD v4.1: 10 of 1,614,120 alleles (0.00062%); highest among the groups gnomAD compares: African/African-American, 0.0013%; no homozygotes.

Submission:

Labcorp Genetics (formerly Invitae), Labcorp
Classification: Uncertain significance. Last evaluated: 2023-10-13. Review status: criteria provided, single submitter. Criteria: Invitae Variant Classification Sherloc (09022015). Collection method: clinical testing. Allele origin: germline.
Comment: This sequence change replaces arginine, which is basic and polar, with tryptophan, which is neutral and slightly polar, at codon 301 of the RFWD3 protein (p.Arg301Trp). This variant is present in population databases (no rsID available, gnomAD 0.003%). This variant has not been reported in the literature in individuals affected with RFWD3-related conditions. ClinVar contains an entry for this variant (Variation ID: 2095014). An algorithm developed to predict the effect of missense changes on protein structure and function (PolyPhen-2) suggests that this variant is likely to be disruptive. In summary, the available evidence is currently insufficient to determine the role of this variant in disease. Therefore, it has been classified as a Variant of Uncertain Significance.

NM_018124.4(RFWD3):c.901C>T (p.Arg301Trp)

Gene: RFWD3 (ring finger and WD repeat domain 3; minus strand). Cytogenetic location: 16q23.1.
Variant type: single nucleotide variant.
Coding change: c.901C>T on transcript NM_018124.4 (MANE Select); coding-DNA position 901, C replaced by T.
Protein change: p.Arg301Trp; replaces arginine 301 with tryptophan.
Molecular consequence: missense variant.
Genome position (GRCh38, 1-based): chr16:74,644,627, G>A on the plus strand (C>T on the coding strand, the complement: RFWD3 is on the minus strand). VCF-style: chr16-74644627-G-A. GRCh37 (hg19) VCF-style: chr16-74678525-G-A.
Other names: c.901C>T, p.Arg301Trp (NM_001370534.1, NM_001370535.1, NM_001370536.1); c.67C>T, p.Arg23Trp (NM_001370537.1, NM_001370539.1, NM_001370540.1 and 3 more transcripts); short protein forms R23W, R301W.
Identifiers: ClinVar variation 2095014 (VCV002095014.4), dbSNP rs1336580643, ClinGen allele CA396762902.